The following is an entry in ClinVar:

ClinVar aggregate classification (germline): Benign/Likely benign. Review status: criteria provided, multiple submitters, no conflicts (2 of 4 stars). 4 submissions from 4 submitters: Benign (3); Likely benign (1). Last evaluated 2026-08-01.

Conditions:
Collagen 6-related myopathy. Identifiers: MedGen CN117976, MONDO:0100225.
Bethlem myopathy 1A. Also called: Bethlem myopathy 1; Bethlem Muscular Dystrophy; MYOPATHY, BENIGN CONGENITAL, WITH CONTRACTURES. Identifiers: Orphanet 610, MedGen CN029274, MONDO:0024530, OMIM 158810.

Allele frequency attached by ClinVar (database versions not stated): 1000 Genomes Project 0.00359; 1000 Genomes Project 30x 0.00359; gnomAD below 0.00001 and 0.00050; TOPMed 0.00011; gnomAD exomes 0.00065 and 0.00133; ExAC 0.00161.

Submissions (4):

CeGaT Center for Human Genetics Tuebingen
Classification: Likely benign. Last evaluated: 2026-08-01. Review status: criteria provided, single submitter. Criteria: CeGaT Center For Human Genetics Tuebingen Variant Classification Criteria Version 2. Collection method: clinical testing. Allele origin: germline. Affected: yes. Observed: 3 variant alleles.
Comment: COL6A1: BS1

Labcorp Genetics (formerly Invitae), Labcorp
Classification: Benign for Bethlem myopathy 1A. Last evaluated: 2025-09-30. Review status: criteria provided, single submitter. Criteria: Invitae Variant Classification Sherloc (09022015). Collection method: clinical testing. Allele origin: germline.

GeneDx
Classification: Benign. Last evaluated: 2019-04-09. Review status: criteria provided, single submitter. Criteria: GeneDx Variant Classification Process June 2021. Collection method: clinical testing. Allele origin: germline. Affected: yes.

Illumina Laboratory Services, Illumina
Classification: Benign for Collagen VI-related myopathy. Last evaluated: 2018-01-13. Review status: criteria provided, single submitter. Criteria: ICSL Variant Classification Criteria 13 December 2019. Collection method: clinical testing. Allele origin: germline.
Comment: This variant was observed in the ICSL laboratory as part of a predisposition screen in an ostensibly healthy population. It had not been previously curated by ICSL or reported in the Human Gene Mutation Database (HGMD: prior to June 1st, 2018), and was therefore a candidate for classification through an automated scoring system. Utilizing variant allele frequency, disease prevalence and penetrance estimates, and inheritance mode, an automated score was calculated to assess if this variant is too frequent to cause the disease. Based on the score and internal cut-off values, a variant classified as benign is not then subjected to further curation. The score for this variant resulted in a classification of benign for this disease.

NM_001848.3(COL6A1):c.1823-13C>T

Gene: COL6A1 (collagen type VI alpha 1 chain; plus strand). Cytogenetic location: 21q22.3.
Variant type: single nucleotide variant.
Coding change: c.1823-13C>T on transcript NM_001848.3 (MANE Select); 13 bases into the intron before coding-DNA position 1823, C replaced by T.
Molecular consequence: intron variant.
Genome position (GRCh38, 1-based): chr21:46,001,240, C>T. VCF-style: chr21-46001240-C-T. GRCh37 (hg19) VCF-style: chr21-47421154-C-T.
Identifiers: ClinVar variation 340324 (VCV000340324.39), dbSNP rs571173076, ClinGen allele CA10070633.
Genomic context (GRCh38, chr21:46,001,240, plus strand): 5'-AGGGCGGTGGAGGGGAGGGGCCAGGGCACTGGAGGGGAGGGGCGTGCTCTGCTGACACCG[C>T]CCCCGCCTGCAGAATGCAAGTGCGGCCCCATCGACCTCCTGTTCGTGCTGGACAGCTCAG-3'